The following is an entry in ClinVar:

ClinVar aggregate classification (germline): Uncertain significance (1 of 4 stars; one submission).

Conditions:
Fanconi anemia (FA). Also called: Fanconi's anemia. Identifiers: Orphanet 84, MedGen C0015625, MeSH D005199, MONDO:0019391.

Submission:

Labcorp Genetics (formerly Invitae), Labcorp
Classification: Uncertain significance for Fanconi anemia. Last evaluated: 2024-08-12. Review status: criteria provided, single submitter. Criteria: Invitae Variant Classification Sherloc (09022015). Collection method: clinical testing. Allele origin: germline.
Comment: This sequence change replaces alanine, which is neutral and non-polar, with threonine, which is neutral and polar, at codon 363 of the FANCD2 protein (p.Ala363Thr). This variant is not present in population databases (gnomAD no frequency). This variant has not been reported in the literature in individuals affected with FANCD2-related conditions. Advanced modeling of protein sequence and biophysical properties (such as structural, functional, and spatial information, amino acid conservation, physicochemical variation, residue mobility, and thermodynamic stability) performed at Invitae indicates that this missense variant is expected to disrupt FANCD2 protein function with a positive predictive value of 80%. In summary, the available evidence is currently insufficient to determine the role of this variant in disease. Therefore, it has been classified as a Variant of Uncertain Significance.

NM_001018115.3(FANCD2):c.1087G>A (p.Ala363Thr)

Genes: FANCD2 (FA complementation group D2; plus strand), LOC107303338 (3p25 FANCD2 Alu-mediated recombination region; plus strand). Cytogenetic location: 3p25.3.
Variant type: single nucleotide variant.
Coding change: c.1087G>A on transcript NM_001018115.3 (MANE Select); coding-DNA position 1087, G replaced by A.
Protein change: p.Ala363Thr; replaces alanine 363 with threonine.
Molecular consequence: missense variant.
Genome position (GRCh38, 1-based): chr3:10,043,581, G>A. VCF-style: chr3-10043581-G-A. GRCh37 (hg19) VCF-style: chr3-10085265-G-A.
Other names: c.1087G>A, p.Ala363Thr (NM_001319984.2, NM_001374253.1, NM_001374254.1 and 1 more transcripts); short protein forms A363T.
Identifiers: ClinVar variation 3630433 (VCV003630433.2).